The following is an entry in ClinVar:

NM_002637.4(PHKA1):c.389G>A (p.Trp130Ter)

Genes: PHKA1 (phosphorylase kinase regulatory subunit alpha 1; minus strand), PHKA1-AS1 (PHKA1 antisense RNA 1; plus strand). Cytogenetic location: Xq13.1.
Variant type: single nucleotide variant.
Coding change: c.389G>A on transcript NM_002637.4 (MANE Select); coding-DNA position 389, G replaced by A.
Protein change: p.Trp130Ter; replaces tryptophan 130 with a stop codon.
Molecular consequence: nonsense.
Genome position (GRCh38, 1-based): chrX:72,695,773, C>T on the plus strand (G>A on the coding strand, the complement: PHKA1 is on the minus strand). VCF-style: chrX-72695773-C-T. GRCh37 (hg19) VCF-style: chrX-71915623-C-T.
Other names: c.389G>A, p.Trp130Ter (NM_001122670.2, NM_001172436.2); short protein forms W130*.
Identifiers: ClinVar variation 3010358 (VCV003010358.4), dbSNP rs1556327000, ClinGen allele CA413639152.
Genomic context (GRCh38, chrX:72,695,773, plus strand): 5'-GCAGTCATTTGGGCTAAGAAGAGCAGGTACACAGAGGTAGCATCCAACTGCAGGTGTCCC[C>T]ATTGATCATCACCCACTACAGTGGCACAGGTTTTGGTGTTGTACTTTGCATGGAGGCTAT-3'

ClinVar aggregate classification (germline): Pathogenic/Likely pathogenic. Review status: criteria provided, multiple submitters, no conflicts (2 of 4 stars). 2 submissions from 2 submitters: Pathogenic (1); Likely pathogenic (1). Last evaluated 2024-06-13.

Conditions:
Glycogen storage disease IXd (GSD9D). Also called: GSD IXd; Muscle Phosphorylase Kinase Deficiency. Identifiers: Orphanet 715, MedGen C1845151, MONDO:0010362, OMIM 300559.

Allele frequency attached by ClinVar (database versions not stated): TOPMed below 0.00001; gnomAD 0.00001; gnomAD exomes 0.00002.
gnomAD v4.1: 18 of 1,204,096 alleles (0.0015%); highest among the groups gnomAD compares: Non-Finnish European, 0.002%; no homozygotes.

Submissions (2):

Labcorp Genetics (formerly Invitae), Labcorp
Classification: Pathogenic for Glycogen storage disease IXd. Last evaluated: 2024-06-13. Review status: criteria provided, single submitter. Criteria: Invitae Variant Classification Sherloc (09022015). Collection method: clinical testing. Allele origin: germline.
Comment: This sequence change creates a premature translational stop signal (p.Trp130*) in the PHKA1 gene. It is expected to result in an absent or disrupted protein product. Loss-of-function variants in PHKA1 are known to be pathogenic (PMID: 9731190, 15637709). This variant is present in population databases (no rsID available, gnomAD 0.002%). This variant has not been reported in the literature in individuals affected with PHKA1-related conditions. For these reasons, this variant has been classified as Pathogenic.

Fulgent Genetics
Classification: Likely pathogenic for Glycogen storage disease IXd. Last evaluated: 2024-03-29. Review status: criteria provided, single submitter. Criteria: ACMG Guidelines, 2015. Collection method: clinical testing. Allele origin: germline.

Literature cited by the submitters: PubMed 9731190 (cited by Labcorp Genetics (formerly Invitae), Labcorp); PubMed 15637709 (cited by Labcorp Genetics (formerly Invitae), Labcorp).